The following is an entry in ClinVar:

ClinVar aggregate classification (germline): Conflicting classifications of pathogenicity. Review status: criteria provided, conflicting classifications (1 of 4 stars). 11 submissions from 11 submitters: Uncertain significance (9); Likely benign (1). 1 of the submissions does not count toward it. Last evaluated 2026-02-23.

Conditions:
Hereditary nonpolyposis colorectal neoplasms. Identifiers: MedGen C0009405, MeSH D003123.
Hereditary cancer-predisposing syndrome. Also called: Tumor predisposition; Neoplastic Syndromes, Hereditary; Hereditary Cancer Syndrome; Hereditary neoplastic syndrome. Identifiers: Orphanet 140162, MedGen C0027672, MeSH D009386, MONDO:0015356.
Lynch syndrome. Identifiers: Orphanet 144, MedGen C4552100, MONDO:0005835. Disease mechanism: loss of function.
Lynch syndrome 5 (LYNCH5). Also called: Colorectal cancer, hereditary nonpolyposis, type 5; Hereditary non-polyposis colorectal cancer, type 5. Identifiers: Orphanet 144, MedGen C1833477, MONDO:0013710, OMIM 614350. Disease mechanism: loss of function.
Endometrial carcinoma. Also called: Endometrial carcinoma, somatic. Identifiers: MedGen C0476089, MONDO:0002447, OMIM 608089, HP:0012114.

Allele frequency attached by ClinVar (database versions not stated): gnomAD 0.00002; TOPMed 0.00004.
gnomAD v4.1: 21 of 1,613,594 alleles (0.0013%); highest among the groups gnomAD compares: African/African-American, 0.0053%; no homozygotes.

Submissions (11):

Women's Health and Genetics/Laboratory Corporation of America, LabCorp
Classification: Uncertain significance. Last evaluated: 2026-02-23. Review status: criteria provided, single submitter. Criteria: LabCorp Variant Classification Summary - May 2015. Collection method: clinical testing. Allele origin: germline.
Comment: Variant summary: MSH6 c.3600A>G (p.Ile1200Met) results in a conservative amino acid change in the encoded protein sequence. Algorithms developed to predict the effect of missense changes on protein structure and function are either unavailable or do not agree on the potential impact of this missense change. The variant allele was found at a frequency of 4e-06 in 251440 control chromosomes. The available data on variant occurrences in the general population are insufficient to allow any conclusion about variant significance. c.3600A>G has been observed at a heterozygous state in individuals affected with pancreatic ductal adenocarcinoma, Lynch Syndrome and familial adenomatous polyposis without strong evidence for causality (Eid_2025, Henn_2019, Ryan_2020). These report(s) do not provide unequivocal conclusions about association of the variant with Lynch Syndrome. To our knowledge, no experimental evidence demonstrating an impact on protein function has been reported. The following publications have been ascertained in the context of this evaluation (PMID: 38773787, 30680046, 32941469). ClinVar contains an entry for this variant (Variation ID: 141085). Based on the evidence outlined above, the variant was classified as uncertain significance.

Center for Genomic Medicine, Rigshospitalet, Copenhagen University Hospital
Classification: Uncertain significance. Last evaluated: 2025-12-29. Review status: criteria provided, single submitter. Criteria: ACMG Guidelines, 2015. Collection method: clinical testing. Allele origin: germline.

Labcorp Genetics (formerly Invitae), Labcorp
Classification: Likely benign for Hereditary nonpolyposis colorectal neoplasms. Last evaluated: 2025-10-17. Review status: criteria provided, single submitter. Criteria: Invitae Variant Classification Sherloc (09022015). Collection method: clinical testing. Allele origin: germline.

Ambry Genetics
Classification: Uncertain significance for Hereditary cancer-predisposing syndrome. Last evaluated: 2025-08-20. Review status: criteria provided, single submitter. Criteria: Ambry Variant Classification Scheme 2023. Collection method: clinical testing. Allele origin: germline.
Comment: The p.I1200M variant (also known as c.3600A>G), located in coding exon 7 of the MSH6 gene, results from an A to G substitution at nucleotide position 3600. The isoleucine at codon 1200 is replaced by methionine, an amino acid with highly similar properties. In one study, this alteration was detected in 1/173 patients suspected of having a hereditary tumor syndrome (Henn J et al. Hered Cancer Clin Pract, 2019 Jan;17:5). This amino acid position is well conserved in available vertebrate species. In addition, the in silico prediction for this alteration is inconclusive. Since supporting evidence is limited at this time, the clinical significance of this alteration remains unclear.

Quest Diagnostics Nichols Institute San Juan Capistrano
Classification: Uncertain significance. Last evaluated: 2025-04-10. Review status: criteria provided, single submitter. Criteria: Quest Diagnostics criteria. Collection method: clinical testing. Allele origin: unknown.
Comment: The MSH6 c.3600A>G (p.Ile1200Met) variant has been reported in the published literature in individuals affected with colorectal cancer (PMID: 38773787 (2024)) and endometrial cancer (PMID: 33577226 (2022)). It was also identified in an individual affected with familial adenomatous polyposis who carried a deleterious APC variant, suggesting this MSH6 variant may not be the primary cause of disease (PMID: 30680046 (2019)). The frequency of this variant in the general population (Genome Aggregation Database) is uninformative in the assessment of its pathogenicity. Analysis of this variant using bioinformatics tools for the prediction of the effect of amino acid changes on protein structure and function yielded conflicting predictions that this variant is benign or damaging. Based on the available information, we are unable to determine the clinical significance of this variant.

All of Us Research Program, National Institutes of Health
Classification: Uncertain significance for Lynch syndrome. Last evaluated: 2024-09-23. Review status: criteria provided, single submitter. Criteria: ACMG Guidelines, 2015. Collection method: clinical testing. Allele origin: germline. Inheritance: Autosomal dominant inheritance. Observed: 4 variant alleles, 4 heterozygotes.
Comment: This missense variant replaces isoleucine with methionine at codon 1200 of the MSH6 protein. Computational prediction is inconclusive regarding the impact of this variant on protein structure and function (internally defined REVEL score threshold 0.5 < inconclusive < 0.7, PMID: 27666373). To our knowledge, functional studies have not been reported for this variant. This variant has been reported in an individual affected with early-onset endometrial cancer that demonstrated MLH1 hypermethylation and loss of MLH1 and PMS2 protein expression (PMID: 33577226). This variant has been identified in 1/251440 chromosomes in the general population by the Genome Aggregation Database (gnomAD). The available evidence is insufficient to determine the role of this variant in disease conclusively. Therefore, this variant is classified as a Variant of Uncertain Significance.

This study involves interpretation of variants in research participants for the purpose of population health screening. Participant phenotype was not available at the time of variant classification. Additional details can be found in publication PMID: 35346344, PMCID: PMC8962531

Color Diagnostics, LLC DBA Color Health
Classification: Uncertain significance for Hereditary cancer-predisposing syndrome. Last evaluated: 2024-05-29. Review status: criteria provided, single submitter. Criteria: ACMG Guidelines, 2015. Collection method: clinical testing. Allele origin: germline.
Comment: This missense variant replaces isoleucine with methionine at codon 1200 of the MSH6 protein. Computational prediction is inconclusive regarding the impact of this variant on protein structure and function (internally defined REVEL score threshold 0.5 < inconclusive < 0.7, PMID: 27666373). To our knowledge, functional studies have not been reported for this variant. This variant has been reported in an individual affected with early-onset endometrial cancer that demonstrated MLH1 hypermethylation and loss of MLH1 and PMS2 protein expression (PMID: 33577226). This variant has been identified in 1/251440 chromosomes in the general population by the Genome Aggregation Database (gnomAD). The available evidence is insufficient to determine the role of this variant in disease conclusively. Therefore, this variant is classified as a Variant of Uncertain Significance.

Baylor Genetics
Classification: Uncertain significance for Endometrial carcinoma. Last evaluated: 2024-03-17. Review status: criteria provided, single submitter. Criteria: ACMG Guidelines, 2015. Collection method: clinical testing. Allele origin: unknown.

Myriad Genetics, Inc.
Classification: Uncertain significance for Lynch syndrome 5. Last evaluated: 2023-03-29. Review status: criteria provided, single submitter. Criteria: Myriad Autosomal Dominant, Autosomal Recessive and X-Linked Classification Criteria (2023). Collection method: clinical testing. Allele origin: unknown.
Comment: This variant is classified as a variant of uncertain significance as there is insufficient evidence to determine its impact on protein function and/or cancer risk.

GeneDx
Classification: Uncertain significance. Last evaluated: 2022-11-23. Review status: criteria provided, single submitter. Criteria: GeneDx Variant Classification Process June 2021. Collection method: clinical testing. Allele origin: germline. Affected: yes.
Comment: Not observed at a significant frequency in large population cohorts (gnomAD); In silico analysis, which includes protein predictors and evolutionary conservation, supports a deleterious effect; Has not been previously published as pathogenic or benign to our knowledge; This variant is associated with the following publications: (PMID: 26627015, 21120944, 17531815)

Counsyl
Classification: Uncertain significance for Lynch syndrome 5. Last evaluated: 2016-08-29. Review status: no assertion criteria provided. Collection method: clinical testing. Allele origin: unknown. Not counted in ClinVar's aggregate classification.

Literature cited by the submitters: PubMed 30680046 (cited by 3 submitters); PubMed 32941469 (cited by Women's Health and Genetics/Laboratory Corporation of America, LabCorp and Quest Diagnostics Nichols Institute San Juan Capistrano); PubMed 38773787 (cited by Women's Health and Genetics/Laboratory Corporation of America, LabCorp and Quest Diagnostics Nichols Institute San Juan Capistrano); PubMed 33577226 (cited by 3 submitters); PubMed 35884425 (cited by Quest Diagnostics Nichols Institute San Juan Capistrano); PubMed 22949387 (cited by Counsyl).

NM_000179.3(MSH6):c.3600A>G (p.Ile1200Met)

Gene: MSH6 (mutS homolog 6; plus strand). Cytogenetic location: 2p16.3.
Variant type: single nucleotide variant.
Coding change: c.3600A>G on transcript NM_000179.3 (MANE Select); coding-DNA position 3600, A replaced by G.
Protein change: p.Ile1200Met; replaces isoleucine 1200 with methionine.
Molecular consequence: missense variant.
Genome position (GRCh38, 1-based): chr2:47,805,661, A>G. VCF-style: chr2-47805661-A-G. GRCh37 (hg19) VCF-style: chr2-48032800-A-G.
Other names: c.3210A>G, p.Ile1070Met (NM_001281492.2); c.2694A>G, p.Ile898Met (NM_001281493.2, NM_001281494.2); short protein forms I1200M, I1070M, I898M.
Identifiers: ClinVar variation 141085 (VCV000141085.33), dbSNP rs587781482, ClinGen allele CA013491.